The following is an entry in ClinVar:

NM_000891.3(KCNJ2):c.668T>G (p.Val223Gly)

Gene: KCNJ2 (potassium inwardly rectifying channel subfamily J member 2; plus strand). Cytogenetic location: 17q24.3.
Variant type: single nucleotide variant.
Coding change: c.668T>G on transcript NM_000891.3 (MANE Select); coding-DNA position 668, T replaced by G.
Protein change: p.Val223Gly; replaces valine 223 with glycine.
Molecular consequence: missense variant.
Genome position (GRCh38, 1-based): chr17:70,175,707, T>G. VCF-style: chr17-70175707-T-G. GRCh37 (hg19) VCF-style: chr17-68171848-T-G.
Other names: short protein forms V223G.
Identifiers: ClinVar variation 468467 (VCV000468467.8), dbSNP rs1555603969, ClinGen allele CA400861553.
Genomic context (GRCh38, chr17:70,175,707, plus strand): 5'-TGAGAGACGGCAAGCTGTGTTTGATGTGGCGAGTGGGCAATCTTCGGAAAAGCCACTTGG[T>G]GGAAGCTCATGTTCGAGCACAGCTCCTCAAATCCAGAATTACTTCTGAAGGGGAGTATAT-3'
Protein context (NP_000882.1, residues 213-233): RVGNLRKSHL[Val223Gly]EAHVRAQLLK

ClinVar aggregate classification (germline): Uncertain significance (1 of 4 stars; one submission).

Conditions:
Andersen Tawil syndrome (LQT7). Also called: ANDERSEN CARDIODYSRHYTHMIC PERIODIC PARALYSIS; LONG QT SYNDROME 7; PERIODIC PARALYSIS, POTASSIUM-SENSITIVE CARDIODYSRHYTHMIC TYPE; Andersen Syndrome; Potassium-sensitive periodic paralysis, ventricular ectopy, and dysmorphic features. Identifiers: Orphanet 37553, MedGen C1563715, MONDO:0008222, OMIM 170390.
Short QT syndrome type 3. Identifiers: Orphanet 51083, MedGen C1865018, MONDO:0012314, OMIM 609622.

Submission:

Labcorp Genetics (formerly Invitae), Labcorp
Classification: Uncertain significance for Short QT syndrome type 3; Andersen Tawil syndrome. Last evaluated: 2017-10-31. Review status: criteria provided, single submitter. Criteria: Invitae Variant Classification Sherloc (09022015). Collection method: clinical testing. Allele origin: germline.
Comment: Algorithms developed to predict the effect of missense changes on protein structure and function do not agree on the potential impact of this missense change (SIFT: "Deleterious"; PolyPhen-2: "Probably Damaging"; Align-GVGD: "Class C0"). This variant has not been reported in the literature in individuals with KCNJ2-related disease. This variant is not present in population databases (ExAC no frequency). This sequence change replaces valine with glycine at codon 223 of the KCNJ2 protein (p.Val223Gly). The valine residue is highly conserved and there is a moderate physicochemical difference between valine and glycine. In summary, the available evidence is currently insufficient to determine the role of this variant in disease. Therefore, it has been classified as a Variant of Uncertain Significance.